The following is an entry in ClinVar:

NM_001363711.2(DUOX2):c.3376T>C (p.Phe1126Leu)

Gene: DUOX2 (dual oxidase 2; minus strand). Cytogenetic location: 15q21.1.
Variant type: single nucleotide variant.
Coding change: c.3376T>C on transcript NM_001363711.2 (MANE Select); coding-DNA position 3376, T replaced by C.
Protein change: p.Phe1126Leu; replaces phenylalanine 1126 with leucine.
Molecular consequence: missense variant.
Genome position (GRCh38, 1-based): chr15:45,099,701, A>G on the plus strand (T>C on the coding strand, the complement: DUOX2 is on the minus strand). VCF-style: chr15-45099701-A-G. GRCh37 (hg19) VCF-style: chr15-45391899-A-G.
Other names: c.3376T>C, p.Phe1126Leu (NM_014080.5); short protein forms F1126L.
Identifiers: ClinVar variation 4813633 (VCV004813633.1).

ClinVar aggregate classification (germline): Uncertain significance (1 of 4 stars; one submission).

Conditions:
Congenital hypothyroidism. Identifiers: Orphanet 442, MedGen C0010308, MONDO:0018612, HP:0000851.

gnomAD v4.1: 1 of 1,614,222 alleles (0.000062%); highest among the groups gnomAD compares: South Asian, 0.0011%; no homozygotes.

Submission:

Cambridge Genomics Laboratory, East Genomic Laboratory Hub, NHS Genomic Medicine Service
Classification: Uncertain significance for Congenital hypothyroidism. Last evaluated: 2026-03-10. Review status: criteria provided, single submitter. Criteria: ACGS Best Practice Guidelines for Variant Classification in Rare Disease 2020. Collection method: clinical testing. Allele origin: germline. Affected: yes.
Comment: PM2